The following is an entry in ClinVar:

NM_006531.5(IFT88):c.598C>T (p.Leu200Phe)

Gene: IFT88 (intraflagellar transport 88; plus strand). Cytogenetic location: 13q12.11.
Variant type: single nucleotide variant.
Coding change: c.598C>T on transcript NM_006531.5 (MANE Select); coding-DNA position 598, C replaced by T.
Protein change: p.Leu200Phe; replaces leucine 200 with phenylalanine.
Molecular consequence: missense variant. On other transcripts: 5 prime UTR variant (1), non-coding transcript variant (5).
Genome position (GRCh38, 1-based): chr13:20,598,654, C>T. VCF-style: chr13-20598654-C-T. GRCh37 (hg19) VCF-style: chr13-21172793-C-T.
Other names: c.541C>T, p.Leu181Phe (NM_001318491.2, NM_001353573.2, NM_001353574.2 and 1 more transcripts); c.625C>T, p.Leu209Phe (NM_001318493.2, NM_001353565.2, NM_001353566.2 and 6 more transcripts); c.598C>T, p.Leu200Phe (NM_001353568.2, NM_001353571.2, NM_001353572.2 and 1 more transcripts); c.-36C>T (NM_001353579.2); c.625C>T (NM_175605.3); short protein forms L209F, L181F, L200F.
Identifiers: ClinVar variation 1937667 (VCV001937667.6), dbSNP rs563944253, ClinGen allele CA6905143.

ClinVar aggregate classification (germline): Uncertain significance. Review status: criteria provided, multiple submitters, no conflicts (2 of 4 stars). 2 submissions from 2 submitters: Uncertain significance (2). Last evaluated 2024-11-26.

Allele frequency attached by ClinVar (database versions not stated): ExAC 0.00001; gnomAD 0.00004; TOPMed 0.00011; 1000 Genomes Project 30x 0.00016; 1000 Genomes Project 0.00020.

Submissions (2):

Labcorp Genetics (formerly Invitae), Labcorp
Classification: Uncertain significance. Last evaluated: 2024-11-26. Review status: criteria provided, single submitter. Criteria: Invitae Variant Classification Sherloc (09022015). Collection method: clinical testing. Allele origin: germline.
Comment: This sequence change replaces leucine, which is neutral and non-polar, with phenylalanine, which is neutral and non-polar, at codon 209 of the IFT88 protein (p.Leu209Phe). This variant is present in population databases (rs563944253, gnomAD 0.006%). This variant has not been reported in the literature in individuals affected with IFT88-related conditions. ClinVar contains an entry for this variant (Variation ID: 1937667). An algorithm developed to predict the effect of missense changes on protein structure and function (PolyPhen-2) suggests that this variant is likely to be disruptive. In summary, the available evidence is currently insufficient to determine the role of this variant in disease. Therefore, it has been classified as a Variant of Uncertain Significance.

Ambry Genetics
Classification: Uncertain significance. Last evaluated: 2024-04-23. Review status: criteria provided, single submitter. Criteria: Ambry Variant Classification Scheme 2023. Collection method: clinical testing. Allele origin: germline.